The following is an entry in ClinVar:

NM_021020.5(LZTS1):c.1342G>A (p.Glu448Lys)

Gene: LZTS1 (leucine zipper tumor suppressor 1; minus strand). Cytogenetic location: 8p21.3.
Variant type: single nucleotide variant.
Coding change: c.1342G>A on transcript NM_021020.5 (MANE Select); coding-DNA position 1342, G replaced by A.
Protein change: p.Glu448Lys; replaces glutamic acid 448 with lysine.
Molecular consequence: missense variant.
Genome position (GRCh38, 1-based): chr8:20,250,171, C>T on the plus strand (G>A on the coding strand, the complement: LZTS1 is on the minus strand). VCF-style: chr8-20250171-C-T. GRCh37 (hg19) VCF-style: chr8-20107682-C-T.
Other names: c.1342G>A, p.Glu448Lys (NM_001362884.2); short protein forms E448K.
Identifiers: ClinVar variation 1919702 (VCV001919702.5), dbSNP rs143595326, ClinGen allele CA4657296.
Genomic context (GRCh38, chr8:20,250,171, plus strand): 5'-CCTTCTCCCGCAGCAGCTCCGCCTCGTTCTTCTTGCGCTGCAGCTCATTCTCACAGACCT[C>T]CAGCTCCAGGCCCTTGGTGCGCAGGGCGCCCTCCAGGTCCTGGGTCCTCAGCTCCAGGCC-3'
Protein context (NP_066300.1, residues 438-458): GALRTKGLEL[Glu448Lys]VCENELQRKK

ClinVar aggregate classification (germline): Uncertain significance (1 of 4 stars; one submission).

Allele frequency attached by ClinVar (database versions not stated): ExAC 0.00001; gnomAD exomes 0.00001; ESP Exome Variant Server 0.00008; gnomAD 0.00003; TOPMed 0.00006.
gnomAD v4.1: 16 of 1,610,592 alleles (0.00099%); highest among the groups gnomAD compares: African/African-American, 0.019%; no homozygotes.

Submission:

Labcorp Genetics (formerly Invitae), Labcorp
Classification: Uncertain significance. Last evaluated: 2026-01-27. Review status: criteria provided, single submitter. Criteria: Invitae Variant Classification Sherloc (09022015). Collection method: clinical testing. Allele origin: germline.
Comment: This sequence change replaces glutamic acid, which is acidic and polar, with lysine, which is basic and polar, at codon 448 of the LZTS1 protein (p.Glu448Lys). This variant is present in population databases (rs143595326, gnomAD 0.01%). This variant has not been reported in the literature in individuals affected with LZTS1-related conditions. ClinVar contains an entry for this variant (Variation ID: 1919702). Invitae Evidence Modeling of protein sequence and biophysical properties (such as structural, functional, and spatial information, amino acid conservation, physicochemical variation, residue mobility, and thermodynamic stability) has been performed for this missense variant. However, the output from this modeling did not meet the statistical confidence thresholds required to predict the impact of this variant on LZTS1 protein function. In summary, the available evidence is currently insufficient to determine the role of this variant in disease. Therefore, it has been classified as a Variant of Uncertain Significance.